The following is an entry in ClinVar:

NM_015629.4(PRPF31):c.239-3C>G

Genes: PRPF31 (pre-mRNA processing factor 31; plus strand), PRPF31-AS1 (PRPF31 antisense RNA 1; minus strand). Cytogenetic location: 19q13.42.
Variant type: single nucleotide variant.
Coding change: c.239-3C>G on transcript NM_015629.4 (MANE Select); 3 bases into the intron before coding-DNA position 239, C replaced by G.
Molecular consequence: intron variant.
Genome position (GRCh38, 1-based): chr19:54,121,857, C>G. VCF-style: chr19-54121857-C-G. GRCh37 (hg19) VCF-style: chr19-54625236-C-G.
Identifiers: ClinVar variation 1471282 (VCV001471282.6), dbSNP rs1426681224, ClinGen allele CA883534200.

ClinVar aggregate classification (germline): Uncertain significance (1 of 4 stars; one submission).

Submission:

Labcorp Genetics (formerly Invitae), Labcorp
Classification: Uncertain significance. Last evaluated: 2024-12-02. Review status: criteria provided, single submitter. Criteria: Invitae Variant Classification Sherloc (09022015). Collection method: clinical testing. Allele origin: germline.
Comment: This sequence change falls in intron 3 of the PRPF31 gene. It does not directly change the encoded amino acid sequence of the PRPF31 protein. It affects a nucleotide within the consensus splice site. This variant is not present in population databases (gnomAD no frequency). This variant has not been reported in the literature in individuals affected with PRPF31-related conditions. ClinVar contains an entry for this variant (Variation ID: 1471282). Variants that disrupt the consensus splice site are a relatively common cause of aberrant splicing (PMID: 17576681, 9536098). Algorithms developed to predict the effect of sequence changes on RNA splicing suggest that this variant may disrupt the consensus splice site. In summary, the available evidence is currently insufficient to determine the role of this variant in disease. Therefore, it has been classified as a Variant of Uncertain Significance.

Literature cited by the submitters: PubMed 17576681; PubMed 9536098.